The following is an entry in ClinVar:

ClinVar aggregate classification (germline): Likely pathogenic (1 of 4 stars; one submission).

Conditions:
Hereditary cancer-predisposing syndrome. Also called: Hereditary Cancer Syndrome; Hereditary neoplastic syndrome; Neoplastic Syndromes, Hereditary; Tumor predisposition. Identifiers: Orphanet 140162, MedGen C0027672, MeSH D009386, MONDO:0015356.

Submission:

Ambry Genetics
Classification: Likely pathogenic for Hereditary cancer-predisposing syndrome. Last evaluated: 2020-03-13. Review status: criteria provided, single submitter. Criteria: Ambry Variant Classification Scheme 2023. Collection method: clinical testing. Allele origin: germline.
Comment: The p.G196R variant (also known as c.586G>C), located in coding exon 4 of the STK11 gene, results from a G to C substitution at nucleotide position 586. The glycine at codon 196 is replaced by arginine, an amino acid with dissimilar properties. Based on internal structural analysis, this alteration is anticipated to disrupt the ATP-binding site of STK11 (Knight JD et al. PLoS ONE, 2007 Oct;2:e982; Zeqiraj E et al. Science, 2009 Dec;326:1707-11; Gerlits O et al. Biochemistry, 2013 May;52:3721-7). This amino acid position is highly conserved in available vertebrate species. In addition, this alteration is predicted to be deleterious by in silico analysis. Based on the majority of available evidence to date, this variant is likely to be pathogenic.

Literature cited by the submitters: PubMed 17912359; PubMed 19892943; PubMed 23672593.

NM_000455.5(STK11):c.586G>C (p.Gly196Arg)

Gene: STK11 (serine/threonine kinase 11; plus strand). Cytogenetic location: 19p13.3.
Variant type: single nucleotide variant.
Coding change: c.586G>C on transcript NM_000455.5 (MANE Select); coding-DNA position 586, G replaced by C.
Protein change: p.Gly196Arg; replaces glycine 196 with arginine.
Molecular consequence: missense variant.
Genome position (GRCh38, 1-based): chr19:1,220,494, G>C. VCF-style: chr19-1220494-G-C. GRCh37 (hg19) VCF-style: chr19-1220493-G-C.
Other names: c.586G>C, p.Gly196Arg (NM_001407255.1); short protein forms G196R.
Identifiers: ClinVar variation 1750183 (VCV001750183.2), dbSNP rs2145424658, ClinGen allele CA402949284.